The following is an entry in ClinVar:

ClinVar aggregate classification (germline): Likely pathogenic (1 of 4 stars; one submission).

Conditions:
Niemann-Pick disease, type C1. Also called: NEUROVISCERAL STORAGE DISEASE WITH VERTICAL SUPRANUCLEAR OPHTHALMOPLEGIA; NIEMANN-PICK DISEASE WITH CHOLESTEROL ESTERIFICATION BLOCK; NIEMANN-PICK DISEASE WITHOUT SPHINGOMYELINASE DEFICIENCY; NIEMANN-PICK DISEASE, CHRONIC NEURONOPATHIC FORM; NIEMANN-PICK DISEASE, VARIANT TYPE C1. Identifiers: Orphanet 646, MedGen C3179455, MONDO:0009757, OMIM 257220.

Submission:

Myriad Genetics, Inc.
Classification: Likely pathogenic for Niemann-Pick disease, type C1. Last evaluated: 2026-03-18. Review status: criteria provided, single submitter. Criteria: Myriad Autosomal Dominant, Autosomal Recessive and X-Linked Classification Criteria (2023). Collection method: clinical testing. Allele origin: unknown.
Comment: NM_000271.4(NPC1):c.1758-1G>A is a variant in a canonical splice site classified as likely pathogenic in the context of Niemann-Pick disease type C1. c.1758-1G>A has not been observed in cases with relevant disease. Relevant functional assessments of this variant are not available in the literature. c.1758-1G>A has not been observed in referenced population frequency databases. In summary, NM_000271.4(NPC1):c.1758-1G>A is a variant in a canonical splice site in a gene where loss of function is a known mechanism of disease and is predicted to disrupt protein function. Please note: this variant was assessed in the context of healthy population screening.

NM_000271.5(NPC1):c.1758-1G>A

Gene: NPC1 (NPC intracellular cholesterol transporter 1; minus strand). Cytogenetic location: 18q11.2.
Variant type: single nucleotide variant.
Coding change: c.1758-1G>A on transcript NM_000271.5 (MANE Select); the canonical splice acceptor site of the intron before coding-DNA position 1758, G replaced by A.
Molecular consequence: splice acceptor variant.
Genome position (GRCh38, 1-based): chr18:23,545,150, C>T on the plus strand (G>A on the coding strand, the complement: NPC1 is on the minus strand). VCF-style: chr18-23545150-C-T. GRCh37 (hg19) VCF-style: chr18-21125114-C-T.
Identifiers: ClinVar variation 5004541 (VCV005004541.1).